The following is an entry in ClinVar:

NM_014915.3(ANKRD26):c.2502A>T (p.Glu834Asp)

Gene: ANKRD26 (ankyrin repeat domain 26; minus strand). Cytogenetic location: 10p12.1.
Variant type: single nucleotide variant.
Coding change: c.2502A>T on transcript NM_014915.3 (MANE Select); coding-DNA position 2502, A replaced by T.
Protein change: p.Glu834Asp; replaces glutamic acid 834 with aspartic acid.
Molecular consequence: missense variant.
Genome position (GRCh38, 1-based): chr10:27,037,928, T>A on the plus strand (A>T on the coding strand, the complement: ANKRD26 is on the minus strand). VCF-style: chr10-27037928-T-A. GRCh37 (hg19) VCF-style: chr10-27326857-T-A.
Other names: p.Glu834Asp; c.2499A>T, p.Glu833Asp (NM_001256053.2); short protein forms E833D, E834D.
Identifiers: ClinVar variation 2144268 (VCV002144268.6), dbSNP rs753469323, ClinGen allele CA5448213.

ClinVar aggregate classification (germline): Uncertain significance. Review status: criteria provided, multiple submitters, no conflicts (2 of 4 stars). 3 submissions from 3 submitters: Uncertain significance (3). Last evaluated 2025-12-15.

Conditions:
Inborn genetic diseases. Identifiers: MedGen C0950123, MeSH D030342.

Allele frequency attached by ClinVar (database versions not stated): ExAC 0.00001; gnomAD 0.00004; TOPMed 0.00010.
gnomAD v4.1: 17 of 1,613,492 alleles (0.0011%); highest among the groups gnomAD compares: Admixed American, 0.015%; 1 homozygote.

Submissions (3):

Labcorp Genetics (formerly Invitae), Labcorp
Classification: Uncertain significance. Last evaluated: 2025-12-15. Review status: criteria provided, single submitter. Criteria: Invitae Variant Classification Sherloc (09022015). Collection method: clinical testing. Allele origin: germline.
Comment: This sequence change replaces glutamic acid, which is acidic and polar, with aspartic acid, which is acidic and polar, at codon 834 of the ANKRD26 protein (p.Glu834Asp). The frequency data for this variant in the population databases is considered unreliable, as metrics indicate poor data quality at this position in the gnomAD database. This variant has not been reported in the literature in individuals affected with ANKRD26-related conditions. ClinVar contains an entry for this variant (Variation ID: 2144268). An algorithm developed to predict the effect of missense changes on protein structure and function (PolyPhen-2) suggests that this variant is likely to be tolerated. In summary, the available evidence is currently insufficient to determine the role of this variant in disease. Therefore, it has been classified as a Variant of Uncertain Significance.

Ambry Genetics
Classification: Uncertain significance for Inborn genetic diseases. Last evaluated: 2025-01-24. Review status: criteria provided, single submitter. Criteria: Ambry Variant Classification Scheme 2023. Collection method: clinical testing. Allele origin: germline.

Mayo Clinic Laboratories, Mayo Clinic
Classification: Uncertain significance. Last evaluated: 2023-10-27. Review status: criteria provided, single submitter. Criteria: ACMG Guidelines, 2015. Collection method: clinical testing. Allele origin: germline. Observed: 2 variant alleles.
Comment: BP4, PM1_supporting, PM2_moderate